The following is an entry in ClinVar:

ClinVar aggregate classification (germline): Likely benign (1 of 4 stars; one submission).

Allele frequency attached by ClinVar (database versions not stated): ExAC 0.00001; gnomAD exomes 0.00001 and 0.00002.
gnomAD v4.1: 9 of 1,210,165 alleles (0.00074%); highest among the groups gnomAD compares: South Asian, 0.016%; no homozygotes.

Submission:

GeneDx
Classification: Likely benign. Last evaluated: 2017-09-27. Review status: criteria provided, single submitter. Criteria: GeneDx Variant Classification (06012015). Collection method: clinical testing. Allele origin: germline. Affected: yes.
Comment: This variant is considered likely benign or benign based on one or more of the following criteria: it is a conservative change, it occurs at a poorly conserved position in the protein, it is predicted to be benign by multiple in silico algorithms, and/or has population frequency not consistent with disease.

NM_001184880.2(PCDH19):c.2607T>C (p.Pro869=)

Genes: PCDH19 (protocadherin 19; minus strand), LOC125467768 (CDK7 strongly-dependent group 2 enhancer GRCh37_chrX:99657381-99658580; plus strand). Cytogenetic location: Xq22.1.
Variant type: single nucleotide variant.
Coding change: c.2607T>C on transcript NM_001184880.2 (MANE Select); coding-DNA position 2607, T replaced by C.
Protein change: p.Pro869=; no amino-acid change (proline 869 retained).
Molecular consequence: synonymous variant.
Genome position (GRCh38, 1-based): chrX:100,402,533, A>G on the plus strand (T>C on the coding strand, the complement: PCDH19 is on the minus strand). VCF-style: chrX-100402533-A-G. GRCh37 (hg19) VCF-style: chrX-99657531-A-G.
Other names: c.2466T>C, p.Pro822= (NM_001105243.2, NM_020766.3).
Identifiers: ClinVar variation 516359 (VCV000516359.1), dbSNP rs766605694, ClinGen allele CA10468754.
Genomic context (GRCh38, chrX:100,402,533, plus strand): 5'-CTAAAGAAGGAGACCTGGGAGAACCTCACAGAGCCACTTAGCTGCACTCACCTCAGGCAG[A>G]GGCACACCGTTGATAATCAGGTCAGGCTGCTGGGGCCCCTGGCTGTTGAAAGAGTGATGG-3'
Protein context (NP_001171809.1, residues 859-879): QQPDLIINGV[Pro869=]LPETENYSFD